The following is an entry in ClinVar:

ClinVar aggregate classification (germline): Likely benign. Review status: criteria provided, single submitter (1 of 4 stars). 2 submissions from 2 submitters: Likely benign (1). 1 of the submissions does not count toward it. Last evaluated 2024-07-15.

Conditions:
QRICH2-related disorder. Also called: QRICH2-related condition.

Allele frequency attached by ClinVar (database versions not stated): gnomAD exomes 0.00039; ExAC 0.00125; 1000 Genomes Project 0.00300; 1000 Genomes Project 30x 0.00312; gnomAD 0.00388; TOPMed 0.00394; ESP Exome Variant Server 0.00484.
gnomAD v4.1: 1,180 of 1,613,374 alleles (0.073%); highest among the groups gnomAD compares: African/African-American, 1.5%; 1 homozygote.

Submissions (2):

Blueprint Genetics
Classification: Likely benign. Last evaluated: 2024-07-15. Review status: criteria provided, single submitter. Criteria: ACMG Guidelines, 2015. Collection method: clinical testing. Allele origin: germline.

PreventionGenetics, part of Exact Sciences
Classification: Benign for QRICH2-related condition. Last evaluated: 2019-10-28. Review status: no assertion criteria provided. Collection method: clinical testing. Allele origin: germline. Not counted in ClinVar's aggregate classification.
Comment: This variant is classified as benign based on ACMG/AMP sequence variant interpretation guidelines (Richards et al. 2015 PMID: 25741868, with internal and published modifications).

NM_001388453.1(QRICH2):c.4086G>A (p.Pro1362=)

Gene: QRICH2 (glutamine rich 2; minus strand). Cytogenetic location: 17q25.1.
Variant type: single nucleotide variant.
Coding change: c.4086G>A on transcript NM_001388453.1 (MANE Select); coding-DNA position 4086, G replaced by A.
Protein change: p.Pro1362=; no amino-acid change (proline 1362 retained).
Molecular consequence: synonymous variant. On other transcripts: non-coding transcript variant (1).
Genome position (GRCh38, 1-based): chr17:76,282,041, C>T on the plus strand (G>A on the coding strand, the complement: QRICH2 is on the minus strand). VCF-style: chr17-76282041-C-T. GRCh37 (hg19) VCF-style: chr17-74278122-C-T.
Other names: c.4086G>A, p.Pro1362= (NM_032134.3).
Identifiers: ClinVar variation 3041046 (VCV003041046.3), dbSNP rs74425099, ClinGen allele CA8783640.